The following is an entry in ClinVar:

NM_000038.6(APC):c.834+5772T>A

Gene: APC (APC regulator of WNT signaling pathway; plus strand). Cytogenetic location: 5q22.2.
Variant type: single nucleotide variant.
Coding change: c.834+5772T>A on transcript NM_000038.6 (MANE Select); 5772 bases into the intron after coding-DNA position 834, T replaced by A.
Molecular consequence: intron variant.
Genome position (GRCh38, 1-based): chr5:112,807,155, T>A. VCF-style: chr5-112807155-T-A. GRCh37 (hg19) VCF-style: chr5-112142852-T-A.
Other names: c.834+5772T>A (NM_001354895.2, NM_001127510.3, NM_001354896.2 and 1 more transcripts); c.864+5772T>A (NM_001354897.2, NM_001354902.2); c.780+5772T>A (NM_001127511.3); c.759+5772T>A (NM_001354898.2, NM_001354904.2); c.-201-2971T>A (NM_001354906.2); c.750+5772T>A (NM_001354899.2); c.657+5772T>A (NM_001354900.2, NM_001354901.2, NM_001354905.2).
Identifiers: ClinVar variation 82530 (VCV000082530.2), dbSNP rs74848012, ClinGen allele CA014959.

ClinVar aggregate classification (germline): other (0 of 4 stars; one submission).

Conditions:
Familial colorectal cancer. Identifiers: MedGen CN280943, MONDO:0023113. Disease mechanism: loss of function.

Submission:

Systems Biology Platform Zhejiang California International NanoSystems Institute
Classification: other for Familial colorectal cancer. Review status: no assertion criteria provided. Collection method: not provided. Allele origin: unknown.
ClinVar note: Converted during submission from cancer to other.